The following is an entry in ClinVar:

ClinVar aggregate classification (germline): Pathogenic (1 of 4 stars; one submission).

Conditions:
Mowat-Wilson syndrome (MOWS). Also called: Classic Mowat-Wilson Syndrome. Identifiers: Orphanet 2152, MedGen C1856113, MONDO:0009341, OMIM 235730.

Submission:

Labcorp Genetics (formerly Invitae), Labcorp
Classification: Pathogenic for Mowat-Wilson syndrome. Last evaluated: 2022-03-23. Review status: criteria provided, single submitter. Criteria: Invitae Variant Classification Sherloc (09022015). Collection method: clinical testing. Allele origin: germline.
Comment: This variant is not present in population databases (gnomAD no frequency). For these reasons, this variant has been classified as Pathogenic. ClinVar contains an entry for this variant (Variation ID: 569754). This variant has not been reported in the literature in individuals affected with ZEB2-related conditions. This sequence change creates a premature translational stop signal (p.Leu79*) in the ZEB2 gene. It is expected to result in an absent or disrupted protein product. Loss-of-function variants in ZEB2 are known to be pathogenic (PMID: 16053902).

Literature cited by the submitters: PubMed 16053902.

NM_014795.4(ZEB2):c.236_239del (p.Leu78_Leu79insTer)

Gene: ZEB2 (zinc finger E-box binding homeobox 2; minus strand). Cytogenetic location: 2q22.3.
Variant type: Deletion.
Coding change: c.236_239del on transcript NM_014795.4 (MANE Select); coding-DNA positions 236 to 239, 4 bases deleted (TGCC; older notation c.236_239delTGCC).
Protein change: p.Leu78_Leu79insTer.
Molecular consequence: nonsense.
Genome position (GRCh38, 1-based): chr2:144,429,861-144,429,864, GGCA deleted on the plus strand (TGCC on the coding strand, the reverse complement: ZEB2 is on the minus strand). VCF-style (leftmost placement, unchanged base first): chr2-144429860-TGGCA-T. GRCh37 (hg19) VCF-style: chr2-145187427-TGGCA-T.
Other names: c.236_239del, p.Leu78_Leu79insTer (NM_001171653.2).
Identifiers: ClinVar variation 569754 (VCV000569754.6), dbSNP rs1560620837, ClinGen allele CA891843358.
Genomic context (GRCh38, chr2:144,429,860, plus strand): 5'-GTTGTTGTGCCAGGGGTGTTCCACTCCACCCTCCCTTATTTCATCTTCCTCTTCCTCTCT[TGGCA>T]ACAGAGCTTGGCTCACGTGTGGGGAGGACTCATGGTTGGGCACACTAGCTGGACTCGTCT-3'